The following is an entry in ClinVar:

NM_005188.4(CBL):c.838C>T (p.Arg280Trp)

Gene: CBL (Cbl proto-oncogene; plus strand). Cytogenetic location: 11q23.3.
Variant type: single nucleotide variant.
Coding change: c.838C>T on transcript NM_005188.4 (MANE Select); coding-DNA position 838, C replaced by T.
Protein change: p.Arg280Trp; replaces arginine 280 with tryptophan.
Molecular consequence: missense variant.
Genome position (GRCh38, 1-based): chr11:119,274,922, C>T. VCF-style: chr11-119274922-C-T. GRCh37 (hg19) VCF-style: chr11-119145632-C-T.
Other names: short protein forms R280W.
Identifiers: ClinVar variation 180814 (VCV000180814.9), dbSNP rs730880432, ClinGen allele CA295983.
Genomic context (GRCh38, chr11:119,274,922, plus strand): 5'-AGCCTTGCTGTAACTCATCCTGGCTACATGGCTTTTTTGACGTATGACGAAGTGAAAGCT[C>T]GGCTCCAGAAATTCATTCACAAACCTGGCAGGTCAGTTCAATGACGCAAAGAGATTTATT-3'
Protein context (NP_005179.2, residues 270-290): AFLTYDEVKA[Arg280Trp]LQKFIHKPGS

ClinVar aggregate classification (germline): Conflicting classifications of pathogenicity. Review status: criteria provided, conflicting classifications (1 of 4 stars). 4 submissions from 4 submitters: Uncertain significance (3); Likely benign (1). Last evaluated 2026-01-25.

Conditions:
CBL-related disorder. Also called: CBL MUTATION-ASSOCIATED SYNDROME; CBL SYNDROME; NOONAN SYNDROME-LIKE DISORDER WITHOUT JUVENILE MYELOMONOCYTIC LEUKEMIA. Identifiers: Orphanet 363972, MedGen C3150803, MONDO:0013308, OMIM 613563.
Juvenile myelomonocytic leukemia (JMML). Also called: LEUKEMIA, JUVENILE MYELOMONOCYTIC, SOMATIC. Identifiers: Orphanet 86834, MedGen C0349639, MONDO:0011908, OMIM 607785, HP:0012209.
RASopathy. Also called: Noonan spectrum disorder; rasopathies. Identifiers: Orphanet 536391, MedGen C5555857, MONDO:0021060.

Allele frequency attached by ClinVar (database versions not stated): gnomAD 0.00002 and 0.00003; TOPMed 0.00002.

Submissions (4):

Labcorp Genetics (formerly Invitae), Labcorp
Classification: Uncertain significance for RASopathy. Last evaluated: 2026-01-25. Review status: criteria provided, single submitter. Criteria: Invitae Variant Classification Sherloc (09022015). Collection method: clinical testing. Allele origin: germline.
Comment: This sequence change replaces arginine, which is basic and polar, with tryptophan, which is neutral and slightly polar, at codon 280 of the CBL protein (p.Arg280Trp). This variant is present in population databases (rs730880432, gnomAD 0.02%). This variant has not been reported in the literature in individuals affected with CBL-related conditions. ClinVar contains an entry for this variant (Variation ID: 180814). Invitae Evidence Modeling of protein sequence and biophysical properties (such as structural, functional, and spatial information, amino acid conservation, physicochemical variation, residue mobility, and thermodynamic stability) has been performed for this missense variant. However, the output from this modeling did not meet the statistical confidence thresholds required to predict the impact of this variant on CBL protein function. In summary, the available evidence is currently insufficient to determine the role of this variant in disease. Therefore, it has been classified as a Variant of Uncertain Significance.

PreventionGenetics, part of Exact Sciences
Classification: Uncertain significance for CBL-related condition. Last evaluated: 2025-06-05. Review status: criteria provided, single submitter. Criteria: ACMG Guidelines, 2015. Collection method: clinical testing. Allele origin: germline.
Comment: The CBL c.838C>T variant is predicted to result in the amino acid substitution p.Arg280Trp. This variant was paternally inherited in a patient with hypotonia, global developmental delay, and microcephaly; the reported patient also carried a de novo frameshift variant in the KAT6A gene (Millan et al. 2016. PubMed ID: 27133397). This variant is reported in 0.020% of alleles in individuals of Ashkenazi Jewish descent in gnomAD. Although we suspect that this variant may be benign, at this time, the clinical significance of this variant is uncertain due to the absence of conclusive functional and genetic evidence.

Blueprint Genetics
Classification: Likely benign. Last evaluated: 2024-09-05. Review status: criteria provided, single submitter. Criteria: ACMG Guidelines, 2015. Collection method: clinical testing. Allele origin: germline.

Fulgent Genetics
Classification: Uncertain significance for Juvenile myelomonocytic leukemia; CBL-related disorder. Last evaluated: 2021-09-16. Review status: criteria provided, single submitter. Criteria: ACMG Guidelines, 2015. Collection method: clinical testing. Allele origin: unknown.